The following is an entry in ClinVar:

NM_001388453.1(QRICH2):c.5512T>G (p.Ser1838Ala)

Gene: QRICH2 (glutamine rich 2; minus strand). Cytogenetic location: 17q25.1.
Variant type: single nucleotide variant.
Coding change: c.5512T>G on transcript NM_001388453.1 (MANE Select); coding-DNA position 5512, T replaced by G.
Protein change: p.Ser1838Ala; replaces serine 1838 with alanine.
Molecular consequence: missense variant. On other transcripts: 3 prime UTR variant (1), non-coding transcript variant (1).
Genome position (GRCh38, 1-based): chr17:76,274,231, A>C on the plus strand (T>G on the coding strand, the complement: QRICH2 is on the minus strand). VCF-style: chr17-76274231-A-C. GRCh37 (hg19) VCF-style: chr17-74270312-A-C.
Other names: c.*5T>G (NM_032134.3); short protein forms S1838A.
Identifiers: ClinVar variation 3056083 (VCV003056083.2), dbSNP rs113534690, ClinGen allele CA8783064.

ClinVar aggregate classification (germline): Benign (0 of 4 stars; one submission).

Conditions:
QRICH2-related disorder. Also called: QRICH2-related condition.

Allele frequency attached by ClinVar (database versions not stated): TOPMed 0.00020; ESP Exome Variant Server 0.00023; gnomAD 0.00084; ExAC 0.00268; 1000 Genomes Project 0.00439; 1000 Genomes Project 30x 0.00453.
gnomAD v4.1: 1,840 of 1,595,680 alleles (0.12%); highest among the groups gnomAD compares: South Asian, 1.9%; 43 homozygotes.

Submission:

PreventionGenetics, part of Exact Sciences
Classification: Benign for QRICH2-related condition. Last evaluated: 2019-10-28. Review status: no assertion criteria provided. Collection method: clinical testing. Allele origin: germline.
Comment: This variant is classified as benign based on ACMG/AMP sequence variant interpretation guidelines (Richards et al. 2015 PMID: 25741868, with internal and published modifications).